The following is an entry in ClinVar:

ClinVar aggregate classification (germline): Uncertain significance (1 of 4 stars; one submission).

Submission:

Quest Diagnostics Nichols Institute San Juan Capistrano
Classification: Uncertain significance. Last evaluated: 2024-11-01. Review status: criteria provided, single submitter. Criteria: Quest Diagnostics criteria. Collection method: clinical testing. Allele origin: unknown.
Comment: The HBA2 c.84G>C (p.Glu28Asp) variant (also known as Hb Hekinan) has been reported to show normal stability and clinical presentation (PMID: 7803274 (1994), see also HbVar). In the published literature, the heterozygous carriers of this variant were reported to have normal clinically and hematological normal observations (PMIDs: 3384699 (1988), 2753738 (1989), 1983218 (1990), and 18923834 (2009)). A published study also showed that this variant results in similar oxygen binding/affinity compared to a normal control (PMID: 3384699 (1988)). This variant has not been reported in large, multi-ethnic general populations (Genome Aggregation Database), however the frequency may be unreliable due to suboptimal data quality. Based on the available information, we are unable to determine the clinical significance of this variant.

Literature cited by the submitters: PubMed 28125089; PubMed 32420790; PubMed 28641501; PubMed 24200101; PubMed 7803274; PubMed 3384699; PubMed 2753738; PubMed 1983218; PubMed 15182057; PubMed 18923834.

NM_000517.6(HBA2):c.84G>C (p.Glu28Asp)

Genes: HBA2 (hemoglobin subunit alpha 2; plus strand), LOC106804612 (hemoglobin subunit alpha 2 recombination region; plus strand). Cytogenetic location: 16p13.3.
Variant type: single nucleotide variant.
Coding change: c.84G>C on transcript NM_000517.6 (MANE Select); coding-DNA position 84, G replaced by C.
Protein change: p.Glu28Asp; replaces glutamic acid 28 with aspartic acid.
Molecular consequence: missense variant.
Genome position (GRCh38, 1-based): chr16:172,996, G>C. VCF-style: chr16-172996-G-C. GRCh37 (hg19) VCF-style: chr16-222995-G-C.
Other names: short protein forms E28D.
Identifiers: ClinVar variation 619682 (VCV000619682.4), dbSNP rs281865556, ClinGen allele CA276414478.
Genomic context (GRCh38, chr16:172,996, plus strand): 5'-GACCAACGTCAAGGCCGCCTGGGGTAAGGTCGGCGCGCACGCTGGCGAGTATGGTGCGGA[G>C]GCCCTGGAGAGGTGAGGCTCCCTCCCCTGCTCCGACCCGGGCTCCTCGCCCGCCCGGACC-3'
Protein context (NP_000508.1, residues 18-38): VGAHAGEYGA[Glu28Asp]ALERMFLSFP